The following is an entry in ClinVar:

NM_001942.4(DSG1):c.2953G>T (p.Gly985Cys)

Genes: DSG1 (desmoglein 1; plus strand), DSG1-AS1 (DSG1 antisense RNA 1; minus strand). Cytogenetic location: 18q12.1.
Variant type: single nucleotide variant.
Coding change: c.2953G>T on transcript NM_001942.4 (MANE Select); coding-DNA position 2953, G replaced by T.
Protein change: p.Gly985Cys; replaces glycine 985 with cysteine.
Molecular consequence: missense variant.
Genome position (GRCh38, 1-based): chr18:31,355,149, G>T. VCF-style: chr18-31355149-G-T. GRCh37 (hg19) VCF-style: chr18-28935112-G-T.
Other names: short protein forms G985C.
Identifiers: ClinVar variation 1910189 (VCV001910189.5), dbSNP rs1158803454, ClinGen allele CA402125251.

ClinVar aggregate classification (germline): Uncertain significance (1 of 4 stars; one submission).

Allele frequency attached by ClinVar (database versions not stated): gnomAD 0.00003; TOPMed 0.00003.
gnomAD v4.1: 21 of 1,610,430 alleles (0.0013%); highest among the groups gnomAD compares: Admixed American, 0.01%; no homozygotes.

Submission:

Labcorp Genetics (formerly Invitae), Labcorp
Classification: Uncertain significance. Last evaluated: 2025-09-02. Review status: criteria provided, single submitter. Criteria: Invitae Variant Classification Sherloc (09022015). Collection method: clinical testing. Allele origin: germline.
Comment: This sequence change replaces glycine, which is neutral and non-polar, with cysteine, which is neutral and slightly polar, at codon 985 of the DSG1 protein (p.Gly985Cys). This variant is present in population databases (no rsID available, gnomAD 0.003%). This variant has not been reported in the literature in individuals affected with DSG1-related conditions. ClinVar contains an entry for this variant (Variation ID: 1910189). An algorithm developed to predict the effect of missense changes on protein structure and function (PolyPhen-2) suggests that this variant is likely to be tolerated. In summary, the available evidence is currently insufficient to determine the role of this variant in disease. Therefore, it has been classified as a Variant of Uncertain Significance.